The following is an entry in ClinVar:

ClinVar aggregate classification (germline): Uncertain significance (1 of 4 stars; one submission).

gnomAD v4.1: 3 of 1,612,972 alleles (0.00019%); highest among the groups gnomAD compares: Non-Finnish European, 0.000085%; no homozygotes.

Submission:

GeneDx
Classification: Uncertain significance. Last evaluated: 2023-12-11. Review status: criteria provided, single submitter. Criteria: GeneDx Variant Classification Process June 2021. Collection method: clinical testing. Allele origin: germline. Affected: yes.
Comment: Not observed at significant frequency in large population cohorts (gnomAD); In silico analysis supports that this missense variant has a deleterious effect on protein structure/function; Has not been previously published as pathogenic or benign to our knowledge

NM_007103.4(NDUFV1):c.433G>T (p.Gly145Trp)

Gene: NDUFV1 (NADH:ubiquinone oxidoreductase core subunit V1; plus strand). Cytogenetic location: 11q13.2.
Variant type: single nucleotide variant.
Coding change: c.433G>T on transcript NM_007103.4 (MANE Select); coding-DNA position 433, G replaced by T.
Protein change: p.Gly145Trp; replaces glycine 145 with tryptophan.
Molecular consequence: missense variant.
Genome position (GRCh38, 1-based): chr11:67,609,558, G>T. VCF-style: chr11-67609558-G-T. GRCh37 (hg19) VCF-style: chr11-67377029-G-T.
Other names: c.406G>T, p.Gly136Trp (NM_001166102.2); short protein forms G136W, G145W.
Identifiers: ClinVar variation 3253255 (VCV003253255.1), dbSNP rs1374933967.